The following is an entry in ClinVar:

NM_182961.4(SYNE1):c.5163A>C (p.Glu1721Asp)

Gene: SYNE1 (spectrin repeat containing nuclear envelope protein 1; minus strand). Cytogenetic location: 6q25.2.
Variant type: single nucleotide variant.
Coding change: c.5163A>C on transcript NM_182961.4 (MANE Select); coding-DNA position 5163, A replaced by C.
Protein change: p.Glu1721Asp; replaces glutamic acid 1721 with aspartic acid.
Molecular consequence: missense variant.
Genome position (GRCh38, 1-based): chr6:152,425,485, T>G on the plus strand (A>C on the coding strand, the complement: SYNE1 is on the minus strand). VCF-style: chr6-152425485-T-G. GRCh37 (hg19) VCF-style: chr6-152746620-T-G.
Other names: c.5184A>C, p.Glu1728Asp (NM_033071.5); short protein forms E1721D, E1728D.
Identifiers: ClinVar variation 2082031 (VCV002082031.3), dbSNP rs1038864214, ClinGen allele CA150215340.

ClinVar aggregate classification (germline): Uncertain significance. Review status: criteria provided, multiple submitters, no conflicts (2 of 4 stars). 2 submissions from 2 submitters: Uncertain significance (2). Last evaluated 2024-03-13.

Conditions:
Emery-Dreifuss muscular dystrophy 4, autosomal dominant (EDMD4). Also called: EMERY-DREIFUSS MUSCULAR DYSTROPHY 4 WITH VARIABLE FEATURES. Identifiers: Orphanet 261, MedGen C2751807, MONDO:0013071, OMIM 612998.
Autosomal recessive ataxia, Beauce type. Also called: SYNE1 Deficiency; Spinocerebellar ataxia, autosomal recessive 8; ATAXIA, RECESSIVE, OF BEAUCE; SYNE1-Related Autosomal Recessive Cerebellar Ataxia. Identifiers: Orphanet 88644, MedGen C1853116, MONDO:0012549, OMIM 610743.

gnomAD v4.1: 6 of 1,614,192 alleles (0.00037%); highest among the groups gnomAD compares: Middle Eastern, 0.016%; no homozygotes.

Submissions (2):

Revvity Omics, Revvity
Classification: Uncertain significance. Last evaluated: 2024-03-13. Review status: criteria provided, single submitter. Criteria: ACMG Guidelines, 2015. Collection method: clinical testing. Allele origin: germline.

Labcorp Genetics (formerly Invitae), Labcorp
Classification: Uncertain significance for Emery-Dreifuss muscular dystrophy 4, autosomal dominant; Autosomal recessive ataxia, Beauce type. Last evaluated: 2022-07-25. Review status: criteria provided, single submitter. Criteria: Invitae Variant Classification Sherloc (09022015). Collection method: clinical testing. Allele origin: germline.
Comment: This variant is present in population databases (no rsID available, gnomAD 0.0009%). This sequence change replaces glutamic acid, which is acidic and polar, with aspartic acid, which is acidic and polar, at codon 1728 of the SYNE1 protein (p.Glu1728Asp). This variant has not been reported in the literature in individuals affected with SYNE1-related conditions. Algorithms developed to predict the effect of missense changes on protein structure and function are either unavailable or do not agree on the potential impact of this missense change (SIFT: "Deleterious"; PolyPhen-2: "Benign"; Align-GVGD: "Class C0"). In summary, the available evidence is currently insufficient to determine the role of this variant in disease. Therefore, it has been classified as a Variant of Uncertain Significance.